The following is an entry in ClinVar:

ClinVar aggregate classification (germline): Likely benign. Review status: criteria provided, multiple submitters, no conflicts (2 of 4 stars). 3 submissions from 3 submitters: Likely benign (2). 1 of the submissions does not count toward it. Last evaluated 2024-11-27.

Conditions:
ABCA2-related disorder. Also called: ABCA2-related condition.

Allele frequency attached by ClinVar (database versions not stated): ESP Exome Variant Server 0.00008; TOPMed 0.00051; ExAC 0.00076.
gnomAD v4.1: 614 of 1,596,648 alleles (0.038%); highest among the groups gnomAD compares: Middle Eastern, 0.033%; 1 homozygote.

Submissions (3):

Blueprint Genetics
Classification: Likely benign. Last evaluated: 2024-11-27. Review status: criteria provided, single submitter. Criteria: ACMG Guidelines, 2015. Collection method: clinical testing. Allele origin: germline.

CeGaT Center for Human Genetics Tuebingen
Classification: Likely benign. Last evaluated: 2022-03-01. Review status: criteria provided, single submitter. Criteria: CeGaT Center For Human Genetics Tuebingen Variant Classification Criteria Version 2. Collection method: clinical testing. Allele origin: germline. Affected: yes. Observed: 1 variant allele.
Comment: ABCA2: BP4, BP7

PreventionGenetics, part of Exact Sciences
Classification: Benign for ABCA2-related condition. Last evaluated: 2019-02-28. Review status: no assertion criteria provided. Collection method: clinical testing. Allele origin: germline. Not counted in ClinVar's aggregate classification.
Comment: This variant is classified as benign based on ACMG/AMP sequence variant interpretation guidelines (Richards et al. 2015 PMID: 25741868, with internal and published modifications).

NM_001606.5(ABCA2):c.6486C>T (p.Asp2162=)

Gene: ABCA2 (ATP binding cassette subfamily A member 2; minus strand). Cytogenetic location: 9q34.3.
Variant type: single nucleotide variant.
Coding change: c.6486C>T on transcript NM_001606.5 (MANE Select); coding-DNA position 6486, C replaced by T.
Protein change: p.Asp2162=; no amino-acid change (aspartic acid 2162 retained).
Molecular consequence: synonymous variant.
Genome position (GRCh38, 1-based): chr9:137,009,992, G>A on the plus strand (C>T on the coding strand, the complement: ABCA2 is on the minus strand). VCF-style: chr9-137009992-G-A. GRCh37 (hg19) VCF-style: chr9-139904444-G-A.
Other names: c.6483C>T, p.Asp2161= (NM_001411042.1); c.6576C>T, p.Asp2192= (NM_212533.3); c.6576C>T (NM_212533.2).
Identifiers: ClinVar variation 2659764 (VCV002659764.26), dbSNP rs200952224, ClinGen allele CA5353583.